The following is an entry in ClinVar:

NM_003041.4(SLC5A2):c.1130-4G>A

Gene: SLC5A2 (solute carrier family 5 member 2; plus strand). Cytogenetic location: 16p11.2.
Variant type: single nucleotide variant.
Coding change: c.1130-4G>A on transcript NM_003041.4 (MANE Select); 4 bases into the intron before coding-DNA position 1130, G replaced by A.
Molecular consequence: intron variant.
Genome position (GRCh38, 1-based): chr16:31,488,618, G>A. VCF-style: chr16-31488618-G-A. GRCh37 (hg19) VCF-style: chr16-31499939-G-A.
Identifiers: ClinVar variation 3052186 (VCV003052186.2), dbSNP rs368457870, ClinGen allele CA8031027.

ClinVar aggregate classification (germline): Likely benign (0 of 4 stars; one submission).

Conditions:
SLC5A2-related disorder. Also called: SLC5A2-related condition.

Allele frequency attached by ClinVar (database versions not stated): gnomAD exomes 0.00002; ExAC 0.00016; gnomAD 0.00019; 1000 Genomes Project 0.00020; TOPMed 0.00025; 1000 Genomes Project 30x 0.00031; ESP Exome Variant Server 0.00031.
gnomAD v4.1: 55 of 1,610,082 alleles (0.0034%); highest among the groups gnomAD compares: African/African-American, 0.063%; no homozygotes.

Submission:

PreventionGenetics, part of Exact Sciences
Classification: Likely benign for SLC5A2-related condition. Last evaluated: 2019-02-22. Review status: no assertion criteria provided. Collection method: clinical testing. Allele origin: germline.
Comment: This variant is classified as likely benign based on ACMG/AMP sequence variant interpretation guidelines (Richards et al. 2015 PMID: 25741868, with internal and published modifications).